The following is an entry in ClinVar:

NM_000553.6(WRN):c.1344G>A (p.Met448Ile)

Gene: WRN (WRN RecQ like helicase; plus strand). Cytogenetic location: 8p12.
Variant type: single nucleotide variant.
Coding change: c.1344G>A on transcript NM_000553.6 (MANE Select); coding-DNA position 1344, G replaced by A.
Protein change: p.Met448Ile; replaces methionine 448 with isoleucine.
Molecular consequence: missense variant.
Genome position (GRCh38, 1-based): chr8:31,083,773, G>A. VCF-style: chr8-31083773-G-A. GRCh37 (hg19) VCF-style: chr8-30941289-G-A.
Other names: short protein forms M448I.
Identifiers: ClinVar variation 1350462 (VCV001350462.5), dbSNP rs1563340544, ClinGen allele CA370922924.

ClinVar aggregate classification (germline): Uncertain significance (1 of 4 stars; one submission).

Conditions:
Werner syndrome (WRN). Identifiers: Orphanet 902, MedGen C0043119, MONDO:0010196, OMIM 277700.

Submission:

Labcorp Genetics (formerly Invitae), Labcorp
Classification: Uncertain significance for Werner syndrome. Last evaluated: 2022-07-14. Review status: criteria provided, single submitter. Criteria: Invitae Variant Classification Sherloc (09022015). Collection method: clinical testing. Allele origin: germline.
Comment: This sequence change replaces methionine, which is neutral and non-polar, with isoleucine, which is neutral and non-polar, at codon 448 of the WRN protein (p.Met448Ile). This variant is not present in population databases (gnomAD no frequency). This variant has not been reported in the literature in individuals affected with WRN-related conditions. ClinVar contains an entry for this variant (Variation ID: 1350462). Algorithms developed to predict the effect of missense changes on protein structure and function are either unavailable or do not agree on the potential impact of this missense change (SIFT: "Not Available"; PolyPhen-2: "Benign"; Align-GVGD: "Not Available"). In summary, the available evidence is currently insufficient to determine the role of this variant in disease. Therefore, it has been classified as a Variant of Uncertain Significance.